The following is an entry in ClinVar:

NM_024426.6(WT1):c.265C>A (p.Pro89Thr)

Genes: WT1 (WT1 transcription factor; minus strand), LOC107982234 (WT1/WT1-AS bi-directional promoter region; plus strand). Cytogenetic location: 11p13.
Variant type: single nucleotide variant.
Coding change: c.265C>A on transcript NM_024426.6 (MANE Select); coding-DNA position 265, C replaced by A.
Protein change: p.Pro89Thr; replaces proline 89 with threonine.
Molecular consequence: missense variant. On other transcripts: non-coding transcript variant (2).
Genome position (GRCh38, 1-based): chr11:32,435,096, G>T on the plus strand (C>A on the coding strand, the complement: WT1 is on the minus strand). VCF-style: chr11-32435096-G-T. GRCh37 (hg19) VCF-style: chr11-32456642-G-T.
Other names: c.250C>A (NM_024426.4); c.265C>A, p.Pro89Thr (NM_000378.6, NM_001407044.1, NM_001407045.1 and 6 more transcripts); c.250C>A, p.Pro84Thr (NM_024425.2); short protein forms P84T, P89T.
Identifiers: ClinVar variation 2935986 (VCV002935986.4), dbSNP rs2133105545, ClinGen allele CA379966041.

ClinVar aggregate classification (germline): Uncertain significance. Review status: criteria provided, multiple submitters, no conflicts (2 of 4 stars). 2 submissions from 2 submitters: Uncertain significance (2). Last evaluated 2025-04-24.

Conditions:
Drash syndrome (DDS). Also called: NEPHROPATHY, WILMS TUMOR, AND GENITAL ANOMALIES; WILMS TUMOR AND PSEUDO- OR TRUE HERMAPHRODITISM. Identifiers: Orphanet 220, MedGen C0950121, MONDO:0008682, OMIM 194080.
Wilms tumor 1 (WT1). Also called: Wilms tumor, somatic. Identifiers: Orphanet 654, MedGen CN033288, MONDO:0008679, OMIM 194070.
11p partial monosomy syndrome (WAGR). Also called: WAGR syndrome; WAGR Complex; CHROMOSOME 11p13 DELETION SYNDROME; WAGR Spectrum Disorder. Identifiers: Orphanet 893, MedGen C0206115, MONDO:0008681, OMIM 194072.
Frasier syndrome. Identifiers: Orphanet 347, MedGen C0950122, MeSH D052159, MONDO:0007635, OMIM 136680.
Inborn genetic diseases. Identifiers: MedGen C0950123, MeSH D030342.

Submissions (2):

Ambry Genetics
Classification: Uncertain significance for Inborn genetic diseases. Last evaluated: 2025-04-24. Review status: criteria provided, single submitter. Criteria: Ambry Variant Classification Scheme 2023. Collection method: clinical testing. Allele origin: germline.
Comment: The p.P84T variant (also known as c.250C>A), located in coding exon 1 of the WT1 gene, results from a C to A substitution at nucleotide position 250. The proline at codon 84 is replaced by threonine, an amino acid with highly similar properties. This amino acid position is conserved. In addition, this alteration is predicted to be tolerated by in silico analysis. Based on the available evidence, the clinical significance of this variant remains unclear.

Labcorp Genetics (formerly Invitae), Labcorp
Classification: Uncertain significance for Wilms tumor 1; Drash syndrome; 11p partial monosomy syndrome; Frasier syndrome. Last evaluated: 2023-05-23. Review status: criteria provided, single submitter. Criteria: Invitae Variant Classification Sherloc (09022015). Collection method: clinical testing. Allele origin: germline.
Comment: In summary, the available evidence is currently insufficient to determine the role of this variant in disease. Therefore, it has been classified as a Variant of Uncertain Significance. Advanced modeling of protein sequence and biophysical properties (such as structural, functional, and spatial information, amino acid conservation, physicochemical variation, residue mobility, and thermodynamic stability) has been performed at Invitae for this missense variant, however the output from this modeling did not meet the statistical confidence thresholds required to predict the impact of this variant on WT1 protein function. This variant has not been reported in the literature in individuals affected with WT1-related conditions. This variant is not present in population databases (gnomAD no frequency). This sequence change replaces proline, which is neutral and non-polar, with threonine, which is neutral and polar, at codon 84 of the WT1 protein (p.Pro84Thr).